The following is an entry in ClinVar:

NM_138927.4(SON):c.3576A>C (p.Glu1192Asp)

Gene: SON (SON DNA and RNA binding protein; plus strand). Cytogenetic location: 21q22.11.
Variant type: single nucleotide variant.
Coding change: c.3576A>C on transcript NM_138927.4 (MANE Select); coding-DNA position 3576, A replaced by C.
Protein change: p.Glu1192Asp; replaces glutamic acid 1192 with aspartic acid.
Molecular consequence: missense variant. On other transcripts: non-coding transcript variant (1), intron variant (1).
Genome position (GRCh38, 1-based): chr21:33,552,807, A>C. VCF-style: chr21-33552807-A-C. GRCh37 (hg19) VCF-style: chr21-34925113-A-C.
Other names: c.3576A>C, p.Glu1192Asp (NM_001291411.2, NM_001412133.1, NM_032195.3 and 2 more transcripts); c.245-4349A>C (NM_001291412.3); short protein forms E1192D.
Identifiers: ClinVar variation 2056426 (VCV002056426.4), dbSNP rs1317638319, ClinGen allele CA410160489.

ClinVar aggregate classification (germline): Uncertain significance (1 of 4 stars; one submission).

Submission:

Labcorp Genetics (formerly Invitae), Labcorp
Classification: Uncertain significance. Last evaluated: 2021-12-24. Review status: criteria provided, single submitter. Criteria: Invitae Variant Classification Sherloc (09022015). Collection method: clinical testing. Allele origin: germline.
Comment: In summary, the available evidence is currently insufficient to determine the role of this variant in disease. Therefore, it has been classified as a Variant of Uncertain Significance. Algorithms developed to predict the effect of missense changes on protein structure and function output the following: SIFT: "Tolerated"; PolyPhen-2: "Benign"; Align-GVGD: "Class C0". The aspartic acid amino acid residue is found in multiple mammalian species, which suggests that this missense change does not adversely affect protein function. This variant has not been reported in the literature in individuals affected with SON-related conditions. This variant is not present in population databases (gnomAD no frequency). This sequence change replaces glutamic acid, which is acidic and polar, with aspartic acid, which is acidic and polar, at codon 1192 of the SON protein (p.Glu1192Asp).